The following is an entry in ClinVar:

NM_002979.5(SCP2):c.128G>A (p.Gly43Asp)

Gene: SCP2 (sterol carrier protein 2; plus strand). Cytogenetic location: 1p32.3.
Variant type: single nucleotide variant.
Coding change: c.128G>A on transcript NM_002979.5 (MANE Select); coding-DNA position 128, G replaced by A.
Protein change: p.Gly43Asp; replaces glycine 43 with aspartic acid.
Molecular consequence: missense variant. On other transcripts: 5 prime UTR variant (1), intron variant (1).
Genome position (GRCh38, 1-based): chr1:52,948,009, G>A. VCF-style: chr1-52948009-G-A. GRCh37 (hg19) VCF-style: chr1-53413681-G-A.
Other names: c.128G>A, p.Gly43Asp (NM_001007098.3, NM_001193600.2, NM_001330587.2); c.-116G>A (NM_001193617.2); c.128-2746G>A (NM_001193599.2); short protein forms G43D.
Identifiers: ClinVar variation 1412380 (VCV001412380.3), dbSNP rs1488662905, ClinGen allele CA340386065.

ClinVar aggregate classification (germline): Uncertain significance (1 of 4 stars; one submission).

Allele frequency attached by ClinVar (database versions not stated): gnomAD exomes below 0.00001; gnomAD 0.00001; TOPMed 0.00005.

Submission:

Labcorp Genetics (formerly Invitae), Labcorp
Classification: Uncertain significance. Last evaluated: 2022-05-07. Review status: criteria provided, single submitter. Criteria: Invitae Variant Classification Sherloc (09022015). Collection method: clinical testing. Allele origin: germline.
Comment: This sequence change replaces glycine, which is neutral and non-polar, with aspartic acid, which is acidic and polar, at codon 43 of the SCP2 protein (p.Gly43Asp). This variant is not present in population databases (gnomAD no frequency). This variant has not been reported in the literature in individuals affected with SCP2-related conditions. Algorithms developed to predict the effect of missense changes on protein structure and function are either unavailable or do not agree on the potential impact of this missense change (SIFT: "Deleterious"; PolyPhen-2: "Possibly Damaging"; Align-GVGD: "Class C0"). In summary, the available evidence is currently insufficient to determine the role of this variant in disease. Therefore, it has been classified as a Variant of Uncertain Significance.